The following is an entry in ClinVar:

NM_001099271.2(POC5):c.377del (p.Leu125_Leu126insTer)

Gene: POC5 (POC5 centriolar protein; minus strand). Cytogenetic location: 5q13.3.
Variant type: Deletion.
Coding change: c.377del on transcript NM_001099271.2 (MANE Select); coding-DNA position 377, one base deleted (T; older notation c.377delT).
Protein change: p.Leu125_Leu126insTer.
Molecular consequence: nonsense.
Genome position (GRCh38, 1-based): chr5:75,702,741, A deleted on the plus strand (T on the coding strand, the reverse complement: POC5 is on the minus strand); the first of 4 consecutive A bases (chr5:75,702,741-75,702,744); deleting any one gives the same sequence. VCF-style (leftmost placement, unchanged base first): chr5-75702740-TA-T. GRCh37 (hg19) VCF-style: chr5-74998565-TA-T.
Other names: c.302del, p.Leu100_Leu101insTer (NM_152408.3).
Identifiers: ClinVar variation 1998398 (VCV001998398.4), dbSNP rs2478916793, ClinGen allele CA2580073435.

ClinVar aggregate classification (germline): Uncertain significance (1 of 4 stars; one submission).

Submission:

Labcorp Genetics (formerly Invitae), Labcorp
Classification: Uncertain significance. Last evaluated: 2023-08-10. Review status: criteria provided, single submitter. Criteria: Invitae Variant Classification Sherloc (09022015). Collection method: clinical testing. Allele origin: germline.
Comment: In summary, the available evidence is currently insufficient to determine the role of this variant in disease. Therefore, it has been classified as a Variant of Uncertain Significance. Experimental studies and prediction algorithms are not available or were not evaluated, and the functional significance of this variant is currently unknown. ClinVar contains an entry for this variant (Variation ID: 1998398). This variant has not been reported in the literature in individuals affected with POC5-related conditions. This variant is not present in population databases (gnomAD no frequency). This sequence change creates a premature translational stop signal (p.Leu126*) in the POC5 gene. It is expected to result in an absent or disrupted protein product. However, the current clinical and genetic evidence is not sufficient to establish whether loss-of-function variants in POC5 cause disease.